The following is an entry in ClinVar:

NM_000053.4(ATP7B):c.3298_3300delinsAGTGCCAGGCAGTGCCA (p.Cys1100fs)

Gene: ATP7B (ATPase copper transporting beta; minus strand). Cytogenetic location: 13q14.3.
Variant type: Indel.
Coding change: c.3298_3300delinsAGTGCCAGGCAGTGCCA on transcript NM_000053.4 (MANE Select); coding-DNA positions 3298 to 3300, TGT replaced by AGTGCCAGGCAGTGCCA.
Protein change: p.Cys1100fs; shifts the reading frame from cysteine 1100.
Molecular consequence: frameshift variant.
Genome position (GRCh38, 1-based): chr13:51,942,498-51,942,500, ACA replaced by TGGCACTGCCTGGCACT on the plus strand (TGT replaced by AGTGCCAGGCAGTGCCA on the coding strand, the reverse complement: ATP7B is on the minus strand). VCF-style: chr13-51942498-ACA-TGGCACTGCCTGGCACT. GRCh37 (hg19) VCF-style: chr13-52516634-ACA-TGGCACTGCCTGGCACT.
Other names: c.2677_2679delinsAGTGCCAGGCAGTGCCA, p.Cys893fs (NM_001005918.3); c.2965_2967delinsAGTGCCAGGCAGTGCCA, p.Cys989fs (NM_001243182.2); c.3064_3066delinsAGTGCCAGGCAGTGCCA, p.Cys1022fs (NM_001330578.2); c.3046_3048delinsAGTGCCAGGCAGTGCCA, p.Cys1016fs (NM_001330579.2); short protein forms C1022fs, C893fs, C989fs, C1016fs, C1100fs.
Identifiers: ClinVar variation 632666 (VCV000632666.1), dbSNP rs1566468816, ClinGen allele CA913190608.

ClinVar aggregate classification (germline): Likely pathogenic (1 of 4 stars; one submission).

Conditions:
Wilson disease (WND). Also called: Wilson's disease. Identifiers: Orphanet 905, MedGen C0019202, MONDO:0010200, OMIM 277900. Disease mechanism: loss of function.

Submission:

Women's Health and Genetics/Laboratory Corporation of America, LabCorp
Classification: Likely pathogenic for Wilson disease. Last evaluated: 2018-08-15. Review status: criteria provided, single submitter. Criteria: LabCorp Variant Classification Summary - May 2015. Collection method: clinical testing. Allele origin: germline.
Comment: Variant summary: ATP7B c.3298_3300delinsAGTGCCAGGCAGTGCCA (p.Cys1100SerfsX26) results in a premature termination codon, predicted to cause a truncation of the encoded protein or absence of the protein due to nonsense mediated decay, which are commonly known mechanisms for disease. Truncations downstream of this position have been classified as pathogenic by our laboratory (eg. c.314C>A, p.Ser105X; c.525dupA, p.Val176fsX28; c.778dupC, p.Gln260fsX10). The variant was absent in 246242 control chromosomes (gnomAD). To our knowledge, no occurrence of c.3298_3300delinsAGTGCCAGGCAGTGCCA in individuals affected with Wilson Disease and no experimental evidence demonstrating its impact on protein function have been reported. No clinical diagnostic laboratories have submitted clinical-significance assessments for this variant to ClinVar after 2014. Based on the evidence outlined above, the variant was classified as likely pathogenic.